The following is an entry in ClinVar:

ClinVar aggregate classification (germline): other (0 of 4 stars; one submission).

Conditions:
Familial colorectal cancer. Identifiers: MedGen CN280943, MONDO:0023113. Disease mechanism: loss of function.

Submission:

Systems Biology Platform Zhejiang California International NanoSystems Institute
Classification: other for Familial colorectal cancer. Review status: no assertion criteria provided. Collection method: not provided. Allele origin: unknown.
ClinVar note: Converted during submission from cancer to other.

NM_000038.6(APC):c.1958+692G>C

Gene: APC (APC regulator of WNT signaling pathway; plus strand). Cytogenetic location: 5q22.2.
Variant type: single nucleotide variant.
Coding change: c.1958+692G>C on transcript NM_000038.6 (MANE Select); 692 bases into the intron after coding-DNA position 1958, G replaced by C.
Molecular consequence: intron variant.
Genome position (GRCh38, 1-based): chr5:112,835,857, G>C. VCF-style: chr5-112835857-G-C. GRCh37 (hg19) VCF-style: chr5-112171554-G-C.
Other names: c.1958+692G>C (NM_001354895.2, NM_001127510.3); c.1988+692G>C (NM_001354897.2); c.1685+692G>C (NM_001354902.2); c.1904+692G>C (NM_001127511.3); c.1883+692G>C (NM_001354898.2); c.1580+692G>C (NM_001354904.2); c.1109+692G>C (NM_001354906.2); c.2012+692G>C (NM_001354896.2); and 5 more.
Identifiers: ClinVar variation 82621 (VCV000082621.2), dbSNP rs79080534, ClinGen allele CA006693.